The following is an entry in ClinVar:

ClinVar aggregate classification (germline): Likely pathogenic (1 of 4 stars; one submission).

Conditions:
Rotor syndrome (HBLRR). Also called: HYPERBILIRUBINEMIA, ROTOR TYPE; HYPERBILIRUBINEMIA, ROTOR TYPE, DIGENIC. Identifiers: Orphanet 3111, MedGen C0220991, MONDO:0009379, OMIM 237450.

gnomAD v4.1: 1 of 1,577,322 alleles (0.000063%); highest among the groups gnomAD compares: Non-Finnish European, 0.000086%; no homozygotes.

Submission:

Women's Health and Genetics/Laboratory Corporation of America, LabCorp
Classification: Likely pathogenic for Rotor syndrome. Last evaluated: 2024-09-30. Review status: criteria provided, single submitter. Criteria: LabCorp Variant Classification Summary - May 2015. Collection method: clinical testing. Allele origin: germline.
Comment: Variant summary: SLCO1B3 c.481+1G>C is located in a canonical splice-site and is predicted to affect mRNA splicing resulting in a significantly altered protein due to either exon skipping, shortening, or inclusion of intronic material. Variants that disrupt the consensus splice site are a relatively common cause of aberrant splicing and loss of SLCO1B3 function. Several computational tools predict a significant impact on normal splicing: Three predict the variant abolishes a 5' splicing donor site. However, these predictions have yet to be confirmed by functional studies. The variant allele was found at a frequency of 4.5e-06 in 223310 control chromosomes. To our knowledge, no occurrence of c.481+1G>C in individuals affected with Rotor Syndrome and no experimental evidence demonstrating its impact on protein function have been reported. No submitters have cited clinical-significance assessments for this variant to ClinVar. Based on the evidence outlined above, the variant was classified as likely pathogenic.

NM_019844.4(SLCO1B3):c.481+1G>C

Genes: SLCO1B3 (solute carrier organic anion transporter family member 1B3; plus strand), SLCO1B3-SLCO1B7 (SLCO1B3-SLCO1B7 readthrough; plus strand). Cytogenetic location: 12p12.2.
Variant type: single nucleotide variant.
Coding change: c.481+1G>C on transcript NM_019844.4 (MANE Select); the canonical splice donor site of the intron after coding-DNA position 481, G replaced by C.
Molecular consequence: splice donor variant.
Genome position (GRCh38, 1-based): chr12:20,861,139, G>C. VCF-style: chr12-20861139-G-C. GRCh37 (hg19) VCF-style: chr12-21014073-G-C.
Other names: c.397+1G>C (NM_001349920.2); c.481+1G>C (NM_001371097.1).
Identifiers: ClinVar variation 3374929 (VCV003374929.1).